The following is an entry in ClinVar:

ClinVar aggregate classification (germline): Likely pathogenic (1 of 4 stars; one submission).

Conditions:
Cranioectodermal dysplasia 1 (CED1). Also called: LEVIN SYNDROME I. Identifiers: Orphanet 1515, MedGen C0432235, MONDO:0021093, OMIM 218330.

Submission:

First Genomix Gene Laboratory, Genetic Diagnostics Department
Classification: Likely pathogenic for Cranioectodermal dysplasia 1. Last evaluated: 2025-09-23. Review status: criteria provided, single submitter. Criteria: ACMG Guidelines, 2015. Collection method: clinical testing. Allele origin: germline. Inheritance: Autosomal recessive inheritance. Affected: no. Observed: 1 variant allele.

NM_052989.3(IFT122):c.2791+1G>C

Gene: IFT122 (intraflagellar transport 122; plus strand). Cytogenetic location: 3q22.1.
Variant type: single nucleotide variant.
Coding change: c.2791+1G>C on transcript NM_052989.3 (MANE Select); the canonical splice donor site of the intron after coding-DNA position 2791, G replaced by C.
Molecular consequence: splice donor variant.
Genome position (GRCh38, 1-based): chr3:129,506,550, G>C. VCF-style: chr3-129506550-G-C. GRCh37 (hg19) VCF-style: chr3-129225393-G-C.
Other names: c.2341+1G>C (NM_001280545.2); c.2944+1G>C (NM_052985.4); c.2767+1G>C (NM_001280541.2); c.2791+1G>C (NM_001410808.1); c.2737+1G>C (NM_001410809.1); c.2614+1G>C (NM_001410810.1, NM_018262.4); c.2560+1G>C (NM_001410811.1, NM_001410813.1); c.2164+1G>C (NM_001280546.2); and 4 more.
Identifiers: ClinVar variation 4850393 (VCV004850393.1).
Genomic context (GRCh38, chr3:129,506,550, plus strand): 5'-TTAATGATGCTGCCTATTATTACTGGATGCTGTCCATGCAGTGCCTCGATATAGCTCAAG[G>C]TGTGTAAACATCAGCCAGACCACTGTTTTCCCAAGCCCCACTCTGACACCAAGATAAACA-3'